The following is an entry in ClinVar:

ClinVar aggregate classification (germline): Uncertain significance (1 of 4 stars; one submission).

Allele frequency attached by ClinVar (database versions not stated): gnomAD exomes below 0.00001 and 0.00001; TOPMed below 0.00001; ExAC 0.00001; gnomAD 0.00001.

Submission:

GeneDx
Classification: Uncertain significance. Last evaluated: 2019-02-12. Review status: criteria provided, single submitter. Criteria: GeneDx Variant Classification Process June 2021. Collection method: clinical testing. Allele origin: germline. Affected: yes.
Comment: In silico analysis, which includes protein predictors and evolutionary conservation, supports a deleterious effect

NM_004211.5(SLC6A5):c.694C>T (p.Pro232Ser)

Gene: SLC6A5 (solute carrier family 6 member 5; plus strand). Cytogenetic location: 11p15.1.
Variant type: single nucleotide variant.
Coding change: c.694C>T on transcript NM_004211.5 (MANE Select); coding-DNA position 694, C replaced by T.
Protein change: p.Pro232Ser; replaces proline 232 with serine.
Molecular consequence: missense variant. On other transcripts: 5 prime UTR variant (1).
Genome position (GRCh38, 1-based): chr11:20,607,021, C>T. VCF-style: chr11-20607021-C-T. GRCh37 (hg19) VCF-style: chr11-20628567-C-T.
Other names: c.-9C>T (NM_001318369.2); short protein forms P232S.
Identifiers: ClinVar variation 1302516 (VCV001302516.2), dbSNP rs750451386, ClinGen allele CA5921179.